The following is an entry in ClinVar:

NM_016953.4(PDE11A):c.2071G>A (p.Glu691Lys)

Genes: PDE11A (phosphodiesterase 11A; minus strand), PDE11A-AS1 (PDE11A antisense RNA 1; plus strand). Cytogenetic location: 2q31.2.
Variant type: single nucleotide variant.
Coding change: c.2071G>A on transcript NM_016953.4 (MANE Select); coding-DNA position 2071, G replaced by A.
Protein change: p.Glu691Lys; replaces glutamic acid 691 with lysine.
Molecular consequence: missense variant.
Genome position (GRCh38, 1-based): chr2:177,711,851, C>T on the plus strand (G>A on the coding strand, the complement: PDE11A is on the minus strand). VCF-style: chr2-177711851-C-T. GRCh37 (hg19) VCF-style: chr2-178576579-C-T.
Other names: c.739G>A, p.Glu247Lys (NM_001077196.2); c.1321G>A, p.Glu441Lys (NM_001077197.2); c.997G>A, p.Glu333Lys (NM_001077358.2); short protein forms E247K, E333K, E441K, E691K.
Identifiers: ClinVar variation 3041000 (VCV003041000.8), dbSNP rs117534006, ClinGen allele CA1981700.

ClinVar aggregate classification (germline): Benign. Review status: criteria provided, single submitter (1 of 4 stars). 2 submissions from 2 submitters: Benign (1). 1 of the submissions does not count toward it. Last evaluated 2025-11-01.

Conditions:
PDE11A-related disorder. Also called: PDE11A-related condition.

Allele frequency attached by ClinVar (database versions not stated): gnomAD 0.00013; TOPMed 0.00018; ExAC 0.00019; 1000 Genomes Project 30x 0.00047; 1000 Genomes Project 0.00060.
gnomAD v4.1: 142 of 1,611,622 alleles (0.0088%); highest among the groups gnomAD compares: East Asian, 0.15%; 1 homozygote.

Submissions (2):

CeGaT Center for Human Genetics Tuebingen
Classification: Benign. Last evaluated: 2025-11-01. Review status: criteria provided, single submitter. Criteria: CeGaT Center For Human Genetics Tuebingen Variant Classification Criteria Version 2. Collection method: clinical testing. Allele origin: germline. Affected: yes. Observed: 1 variant allele.
Comment: PDE11A: BS1, BS2

PreventionGenetics, part of Exact Sciences
Classification: Likely benign for PDE11A-related condition. Last evaluated: 2019-09-10. Review status: no assertion criteria provided. Collection method: clinical testing. Allele origin: germline. Not counted in ClinVar's aggregate classification.
Comment: This variant is classified as likely benign based on ACMG/AMP sequence variant interpretation guidelines (Richards et al. 2015 PMID: 25741868, with internal and published modifications).